The following is an entry in ClinVar:

ClinVar aggregate classification (germline): Benign/Likely benign. Review status: criteria provided, multiple submitters, no conflicts (2 of 4 stars). 3 submissions from 3 submitters: Benign (1); Likely benign (1). 1 of the submissions does not count toward it. Last evaluated 2024-09-10.

Conditions:
ZFHX3-related disorder. Also called: ZFHX3-related condition.

Allele frequency attached by ClinVar (database versions not stated): TOPMed 0.00020; gnomAD 0.00035; gnomAD exomes 0.00061; ExAC 0.00099; 1000 Genomes Project 30x 0.00109; 1000 Genomes Project 0.00120.
gnomAD v4.1: 1,008 of 1,613,130 alleles (0.062%); highest among the groups gnomAD compares: East Asian, 0.81%; 11 homozygotes.

Submissions (3):

Blueprint Genetics
Classification: Likely benign. Last evaluated: 2024-09-10. Review status: criteria provided, single submitter. Criteria: ACMG Guidelines, 2015. Collection method: clinical testing. Allele origin: germline.

CeGaT Center for Human Genetics Tuebingen
Classification: Benign. Last evaluated: 2022-10-01. Review status: criteria provided, single submitter. Criteria: CeGaT Center For Human Genetics Tuebingen Variant Classification Criteria Version 2. Collection method: clinical testing. Allele origin: germline. Affected: yes. Observed: 1 variant allele.
Comment: ZFHX3: BS1, BS2

PreventionGenetics, part of Exact Sciences
Classification: Likely benign for ZFHX3-related condition. Last evaluated: 2019-08-16. Review status: no assertion criteria provided. Collection method: clinical testing. Allele origin: germline. Not counted in ClinVar's aggregate classification.
Comment: This variant is classified as likely benign based on ACMG/AMP sequence variant interpretation guidelines (Richards et al. 2015 PMID: 25741868, with internal and published modifications).

NM_006885.4(ZFHX3):c.3870C>T (p.Thr1290=)

Genes: ZFHX3 (zinc finger homeobox 3; minus strand), ZFHX3-AS1 (ZFHX3 antisense RNA 1; plus strand). Cytogenetic location: 16q22.3.
Variant type: single nucleotide variant.
Coding change: c.3870C>T on transcript NM_006885.4 (MANE Select); coding-DNA position 3870, C replaced by T.
Protein change: p.Thr1290=; no amino-acid change (threonine 1290 retained).
Molecular consequence: synonymous variant.
Genome position (GRCh38, 1-based): chr16:72,800,124, G>A on the plus strand (C>T on the coding strand, the complement: ZFHX3 is on the minus strand). VCF-style: chr16-72800124-G-A. GRCh37 (hg19) VCF-style: chr16-72834023-G-A.
Other names: c.1128C>T, p.Thr376= (NM_001164766.2); c.3870C>T, p.Thr1290= (NM_001386735.1); c.3870C>T (NM_006885.3).
Identifiers: ClinVar variation 2646831 (VCV002646831.26), dbSNP rs373609465, ClinGen allele CA8163932.